The following is an entry in ClinVar:

NM_205836.3(FBXO38):c.239G>A (p.Arg80Gln)

Gene: FBXO38 (F-box protein 38; plus strand). Cytogenetic location: 5q32.
Variant type: single nucleotide variant.
Coding change: c.239G>A on transcript NM_205836.3 (MANE Select); coding-DNA position 239, G replaced by A.
Protein change: p.Arg80Gln; replaces arginine 80 with glutamine.
Molecular consequence: missense variant.
Genome position (GRCh38, 1-based): chr5:148,399,109, G>A. VCF-style: chr5-148399109-G-A. GRCh37 (hg19) VCF-style: chr5-147778672-G-A.
Other names: p.Arg80Gln; c.239G>A, p.Arg80Gln (NM_001271723.2, NM_030793.5); short protein forms R80Q.
Identifiers: ClinVar variation 473955 (VCV000473955.12), dbSNP rs751167811, ClinGen allele CA3496992.

ClinVar aggregate classification (germline): Uncertain significance. Review status: criteria provided, multiple submitters, no conflicts (2 of 4 stars). 3 submissions from 3 submitters: Uncertain significance (3). Last evaluated 2025-08-06.

Conditions:
FBXO38-related disorder. Also called: FBXO38-related condition.
Distal hereditary motor neuropathy type 2. Identifiers: Orphanet 139525, MedGen C3711384, MeSH C580044, MONDO:0015352.

Allele frequency attached by ClinVar (database versions not stated): ExAC 0.00001; gnomAD 0.00001; gnomAD exomes 0.00001 and 0.00003; TOPMed 0.00001.
gnomAD v4.1: 46 of 1,613,194 alleles (0.0029%); highest among the groups gnomAD compares: Middle Eastern, 0.017%; no homozygotes.

Submissions (3):

PreventionGenetics, part of Exact Sciences
Classification: Uncertain significance for FBXO38-related condition. Last evaluated: 2025-08-06. Review status: criteria provided, single submitter. Criteria: ACMG Guidelines, 2015. Collection method: clinical testing. Allele origin: germline.
Comment: The FBXO38 c.239G>A variant is predicted to result in the amino acid substitution p.Arg80Gln. To our knowledge, this variant has not been reported in the literature. This variant is reported in 0.0033% of alleles in individuals of South Asian descent in gnomAD. At this time, the clinical significance of this variant is uncertain due to the absence of conclusive functional and genetic evidence.

Labcorp Genetics (formerly Invitae), Labcorp
Classification: Uncertain significance for Distal hereditary motor neuropathy type 2. Last evaluated: 2025-02-14. Review status: criteria provided, single submitter. Criteria: Invitae Variant Classification Sherloc (09022015). Collection method: clinical testing. Allele origin: germline.
Comment: This sequence change replaces arginine, which is basic and polar, with glutamine, which is neutral and polar, at codon 80 of the FBXO38 protein (p.Arg80Gln). This variant is present in population databases (rs751167811, gnomAD 0.003%). This variant has not been reported in the literature in individuals affected with FBXO38-related conditions. ClinVar contains an entry for this variant (Variation ID: 473955). Invitae Evidence Modeling of protein sequence and biophysical properties (such as structural, functional, and spatial information, amino acid conservation, physicochemical variation, residue mobility, and thermodynamic stability) indicates that this missense variant is not expected to disrupt FBXO38 protein function with a negative predictive value of 80%. In summary, the available evidence is currently insufficient to determine the role of this variant in disease. Therefore, it has been classified as a Variant of Uncertain Significance.

Mayo Clinic Laboratories, Mayo Clinic
Classification: Uncertain significance. Last evaluated: 2022-02-22. Review status: criteria provided, single submitter. Criteria: ACMG Guidelines, 2015. Collection method: clinical testing. Allele origin: germline. Observed: 1 variant allele.
Comment: BP4